The following is an entry in ClinVar:

NM_000170.3(GLDC):c.2041C>A (p.Leu681Ile)

Gene: GLDC (glycine decarboxylase; minus strand). Cytogenetic location: 9p24.1.
Variant type: single nucleotide variant.
Coding change: c.2041C>A on transcript NM_000170.3 (MANE Select); coding-DNA position 2041, C replaced by A.
Protein change: p.Leu681Ile; replaces leucine 681 with isoleucine.
Molecular consequence: missense variant.
Genome position (GRCh38, 1-based): chr9:6,558,570, G>T on the plus strand (C>A on the coding strand, the complement: GLDC is on the minus strand). VCF-style: chr9-6558570-G-T. GRCh37 (hg19) VCF-style: chr9-6558570-G-T.
Other names: short protein forms L681I.
Identifiers: ClinVar variation 1434661 (VCV001434661.6), dbSNP rs753457618, ClinGen allele CA372881827.

ClinVar aggregate classification (germline): Uncertain significance (1 of 4 stars; one submission).

Conditions:
Glycine encephalopathy. Also called: Non-ketotic hyperglycinemia; Nonketotic hyperglycinemia. Identifiers: Orphanet 407, MedGen C0751748, MONDO:0011612, HP:0008288.

gnomAD v4.1: 1 of 1,614,186 alleles (0.000062%); highest among the groups gnomAD compares: Non-Finnish European, 0.000085%; no homozygotes.

Submission:

Labcorp Genetics (formerly Invitae), Labcorp
Classification: Uncertain significance for Glycine encephalopathy. Last evaluated: 2026-02-02. Review status: criteria provided, single submitter. Criteria: Invitae Variant Classification Sherloc (09022015). Collection method: clinical testing. Allele origin: germline.
Comment: This sequence change replaces leucine, which is neutral and non-polar, with isoleucine, which is neutral and non-polar, at codon 681 of the GLDC protein (p.Leu681Ile). This variant is not present in population databases (gnomAD no frequency). This variant has not been reported in the literature in individuals affected with GLDC-related conditions. ClinVar contains an entry for this variant (Variation ID: 1434661). Invitae Evidence Modeling of protein sequence and biophysical properties (such as structural, functional, and spatial information, amino acid conservation, physicochemical variation, residue mobility, and thermodynamic stability) indicates that this missense variant is expected to disrupt GLDC protein function with a positive predictive value of 95%. In summary, the available evidence is currently insufficient to determine the role of this variant in disease. Therefore, it has been classified as a Variant of Uncertain Significance.